The following is an entry in ClinVar:

ClinVar aggregate classification (germline): Pathogenic. Review status: criteria provided, single submitter (1 of 4 stars). 2 submissions from 2 submitters: Pathogenic (1). 1 of the submissions does not count toward it. Last evaluated 2023-08-22.

Conditions:
Hypotonia, ataxia, and delayed development syndrome (HADDS). Also called: EBF3 Neurodevelopmental Disorder. Identifiers: Orphanet 658843, MedGen C4310618, MONDO:0015021, OMIM 617330.

Submissions (2):

GeneDx
Classification: Pathogenic. Last evaluated: 2023-08-22. Review status: criteria provided, single submitter. Criteria: GeneDx Variant Classification Process June 2021. Collection method: clinical testing. Allele origin: germline. Affected: yes.
Comment: In vitro studies indicate that the K193N variant may reduce binding affinity to the CD79a promoter resulting in reduced transcriptional activation (Sleven et al., 2017); Not observed at significant frequency in large population cohorts (gnomAD); In silico analysis supports that this missense variant has a deleterious effect on protein structure/function; This variant is associated with the following publications: (PMID: 28135719, 28191890, 28017370, 31785789, 33102976, 34367240)

OMIM
Classification: Pathogenic for HYPOTONIA, ATAXIA, AND DELAYED DEVELOPMENT SYNDROME. Last evaluated: 2017-02-07. Review status: no assertion criteria provided. Collection method: literature only. Allele origin: germline. Not counted in ClinVar's aggregate classification.

Literature cited by the submitters: PubMed 28017370 (cited by OMIM).

NM_001375380.1(EBF3):c.579G>T (p.Lys193Asn)

Gene: EBF3 (EBF transcription factor 3; minus strand). Cytogenetic location: 10q26.3.
Variant type: single nucleotide variant.
Coding change: c.579G>T on transcript NM_001375380.1 (MANE Select); coding-DNA position 579, G replaced by T.
Protein change: p.Lys193Asn; replaces lysine 193 with asparagine.
Molecular consequence: missense variant.
Genome position (GRCh38, 1-based): chr10:129,877,825, C>A on the plus strand (G>T on the coding strand, the complement: EBF3 is on the minus strand). VCF-style: chr10-129877825-C-A. GRCh37 (hg19) VCF-style: chr10-131676089-C-A.
Other names: c.579G>T, p.Lys193Asn (NM_001005463.3, NM_001375379.1, NM_001375389.1 and 3 more transcripts); short protein forms K193N.
Identifiers: ClinVar variation 375501 (VCV000375501.2), dbSNP rs1057519520, ClinGen allele CA16044300.